The following is an entry in ClinVar:

ClinVar aggregate classification (germline): Uncertain significance (1 of 4 stars; one submission).

Allele frequency attached by ClinVar (database versions not stated): TOPMed 0.00001; ExAC 0.00002; gnomAD 0.00003; gnomAD exomes 0.00004; ESP Exome Variant Server 0.00008.
gnomAD v4.1: 66 of 1,613,364 alleles (0.0041%); highest among the groups gnomAD compares: Non-Finnish European, 0.0055%; no homozygotes.

Submission:

Labcorp Genetics (formerly Invitae), Labcorp
Classification: Uncertain significance. Last evaluated: 2022-08-22. Review status: criteria provided, single submitter. Criteria: Invitae Variant Classification Sherloc (09022015). Collection method: clinical testing. Allele origin: germline.
Comment: This sequence change replaces isoleucine, which is neutral and non-polar, with valine, which is neutral and non-polar, at codon 1180 of the FAT4 protein (p.Ile1180Val). This variant is present in population databases (rs375022400, gnomAD 0.0008%). This variant has not been reported in the literature in individuals affected with FAT4-related conditions. Advanced modeling of protein sequence and biophysical properties (such as structural, functional, and spatial information, amino acid conservation, physicochemical variation, residue mobility, and thermodynamic stability) performed at Invitae indicates that this missense variant is not expected to disrupt FAT4 protein function. In summary, the available evidence is currently insufficient to determine the role of this variant in disease. Therefore, it has been classified as a Variant of Uncertain Significance.

NM_001291303.3(FAT4):c.3538A>G (p.Ile1180Val)

Gene: FAT4 (FAT atypical cadherin 4; plus strand). Cytogenetic location: 4q28.1.
Variant type: single nucleotide variant.
Coding change: c.3538A>G on transcript NM_001291303.3 (MANE Select); coding-DNA position 3538, A replaced by G.
Protein change: p.Ile1180Val; replaces isoleucine 1180 with valine.
Molecular consequence: missense variant.
Genome position (GRCh38, 1-based): chr4:125,319,949, A>G. VCF-style: chr4-125319949-A-G. GRCh37 (hg19) VCF-style: chr4-126241104-A-G.
Other names: c.3538A>G, p.Ile1180Val (NM_001291285.3, NM_024582.6); short protein forms I1180V.
Identifiers: ClinVar variation 1989747 (VCV001989747.1), dbSNP rs375022400, ClinGen allele CA3072326.